The following is an entry in ClinVar:

NM_000188.3(HK1):c.97G>A (p.Asp33Asn)

Gene: HK1 (hexokinase 1; plus strand). Cytogenetic location: 10q22.1.
Variant type: single nucleotide variant.
Coding change: c.97G>A on transcript NM_000188.3 (MANE Select); coding-DNA position 97, G replaced by A.
Protein change: p.Asp33Asn; replaces aspartic acid 33 with asparagine.
Molecular consequence: missense variant.
Genome position (GRCh38, 1-based): chr10:69,343,860, G>A. VCF-style: chr10-69343860-G-A. GRCh37 (hg19) VCF-style: chr10-71103616-G-A.
Other names: p.Asp32Asn; c.109G>A, p.Asp37Asn (NM_001322364.2, NM_001358263.1, NM_033497.3 and 1 more transcripts); c.202G>A, p.Asp68Asn (NM_001322365.2); c.13G>A, p.Asp5Asn (NM_001322366.1); c.97G>A, p.Asp33Asn (NM_001322367.1); c.94G>A, p.Asp32Asn (NM_033496.3); c.61G>A, p.Asp21Asn (NM_033500.2); c.94G>A (NM_033496.2); short protein forms D21N, D33N, D5N, D32N, D37N, D68N.
Identifiers: ClinVar variation 857390 (VCV000857390.13), dbSNP rs375425117, ClinGen allele CA5532244.

ClinVar aggregate classification (germline): Uncertain significance. Review status: criteria provided, multiple submitters, no conflicts (2 of 4 stars). 6 submissions from 6 submitters: Uncertain significance (6). Last evaluated 2025-12-03.

Allele frequency attached by ClinVar (database versions not stated): ESP Exome Variant Server 0.00008; gnomAD exomes 0.00003 and 0.00006; gnomAD 0.00004 and 0.00003; ExAC 0.00002; TOPMed 0.00001.

Submissions (6):

Labcorp Genetics (formerly Invitae), Labcorp
Classification: Uncertain significance. Last evaluated: 2025-12-03. Review status: criteria provided, single submitter. Criteria: Invitae Variant Classification Sherloc (09022015). Collection method: clinical testing. Allele origin: germline.
Comment: This sequence change replaces aspartic acid, which is acidic and polar, with asparagine, which is neutral and polar, at codon 33 of the HK1 protein (p.Asp33Asn). This variant is present in population databases (rs375425117, gnomAD 0.1%). This missense change has been observed in individual(s) with HK1-related conditions (internal data). ClinVar contains an entry for this variant (Variation ID: 857390). Invitae Evidence Modeling of protein sequence and biophysical properties (such as structural, functional, and spatial information, amino acid conservation, physicochemical variation, residue mobility, and thermodynamic stability) indicates that this missense variant is not expected to disrupt HK1 protein function with a negative predictive value of 80%. In summary, the available evidence is currently insufficient to determine the role of this variant in disease. Therefore, it has been classified as a Variant of Uncertain Significance.

Revvity Omics, Revvity
Classification: Uncertain significance. Last evaluated: 2024-05-28. Review status: criteria provided, single submitter. Criteria: ACMG Guidelines, 2015. Collection method: clinical testing. Allele origin: germline.

ARUP Laboratories, Molecular Genetics and Genomics, ARUP Laboratories
Classification: Uncertain significance. Last evaluated: 2023-10-11. Review status: criteria provided, single submitter. Criteria: ARUP Molecular Germline Variant Investigation Process 2024. Collection method: clinical testing. Allele origin: germline.

Mayo Clinic Laboratories, Mayo Clinic
Classification: Uncertain significance. Last evaluated: 2022-09-08. Review status: criteria provided, single submitter. Criteria: ACMG Guidelines, 2015. Collection method: clinical testing. Allele origin: germline. Observed: 2 variant alleles.

Blueprint Genetics
Classification: Uncertain significance. Last evaluated: 2022-03-24. Review status: criteria provided, single submitter. Criteria: ACMG Guidelines, 2015. Collection method: clinical testing. Allele origin: germline.

GeneDx
Classification: Uncertain significance. Last evaluated: 2019-07-26. Review status: criteria provided, single submitter. Criteria: GeneDx Variant Classification Process June 2021. Collection method: clinical testing. Allele origin: germline. Affected: yes.
Comment: In silico analysis, which includes protein predictors and evolutionary conservation, supports that this variant does not alter protein structure/function; Has not been previously published as pathogenic or benign to our knowledge